The following is an entry in ClinVar:

NM_182493.3(MYLK3):c.606G>C (p.Glu202Asp)

Gene: MYLK3 (myosin light chain kinase 3; minus strand). Cytogenetic location: 16q11.2.
Variant type: single nucleotide variant.
Coding change: c.606G>C on transcript NM_182493.3 (MANE Select); coding-DNA position 606, G replaced by C.
Protein change: p.Glu202Asp; replaces glutamic acid 202 with aspartic acid.
Molecular consequence: missense variant. On other transcripts: intron variant (1).
Genome position (GRCh38, 1-based): chr16:46,738,106, C>G on the plus strand (G>C on the coding strand, the complement: MYLK3 is on the minus strand). VCF-style: chr16-46738106-C-G. GRCh37 (hg19) VCF-style: chr16-46772018-C-G.
Other names: c.-23+1951G>C (NM_001308301.1); short protein forms E202D.
Identifiers: ClinVar variation 1997889 (VCV001997889.4), dbSNP rs2548908119, ClinGen allele CA395794659.

ClinVar aggregate classification (germline): Uncertain significance (1 of 4 stars; one submission).

Submission:

Labcorp Genetics (formerly Invitae), Labcorp
Classification: Uncertain significance. Last evaluated: 2022-05-22. Review status: criteria provided, single submitter. Criteria: Invitae Variant Classification Sherloc (09022015). Collection method: clinical testing. Allele origin: germline.
Comment: In summary, the available evidence is currently insufficient to determine the role of this variant in disease. Therefore, it has been classified as a Variant of Uncertain Significance. Algorithms developed to predict the effect of missense changes on protein structure and function (SIFT, PolyPhen-2, Align-GVGD) all suggest that this variant is likely to be tolerated. This variant has not been reported in the literature in individuals affected with MYLK3-related conditions. This variant is not present in population databases (gnomAD no frequency). This sequence change replaces glutamic acid, which is acidic and polar, with aspartic acid, which is acidic and polar, at codon 202 of the MYLK3 protein (p.Glu202Asp).